The following is an entry in ClinVar:

ClinVar aggregate classification (germline): Likely benign. Review status: criteria provided, multiple submitters, no conflicts (2 of 4 stars). 2 submissions from 2 submitters: Likely benign (2). Last evaluated 2025-10-01.

Allele frequency attached by ClinVar (database versions not stated): ExAC 0.00037; gnomAD exomes 0.00041 and 0.00095; gnomAD 0.00061 and 0.00063; ESP Exome Variant Server 0.00062; TOPMed 0.00059.
gnomAD v4.1: 1,508 of 1,612,834 alleles (0.094%); highest among the groups gnomAD compares: Non-Finnish European, 0.12%; no homozygotes.

Submissions (2):

CeGaT Center for Human Genetics Tuebingen
Classification: Likely benign. Last evaluated: 2025-10-01. Review status: criteria provided, single submitter. Criteria: CeGaT Center For Human Genetics Tuebingen Variant Classification Criteria Version 2. Collection method: clinical testing. Allele origin: germline. Affected: yes. Observed: 10 variant alleles.
Comment: SLC45A1: BP4, BP7

Labcorp Genetics (formerly Invitae), Labcorp
Classification: Likely benign. Last evaluated: 2018-01-19. Review status: criteria provided, single submitter. Criteria: Invitae Variant Classification Sherloc (09022015). Collection method: clinical testing. Allele origin: germline.

NM_001080397.3(SLC45A1):c.882G>A (p.Arg294=)

Gene: SLC45A1 (solute carrier family 45 member 1; plus strand). Cytogenetic location: 1p36.23.
Variant type: single nucleotide variant.
Coding change: c.882G>A on transcript NM_001080397.3 (MANE Select); coding-DNA position 882, G replaced by A.
Protein change: p.Arg294=; no amino-acid change (arginine 294 retained).
Molecular consequence: synonymous variant.
Genome position (GRCh38, 1-based): chr1:8,330,375, G>A. VCF-style: chr1-8330375-G-A. GRCh37 (hg19) VCF-style: chr1-8390435-G-A.
Identifiers: ClinVar variation 733771 (VCV000733771.29), dbSNP rs139957298, ClinGen allele CA570241.